The following is an entry in ClinVar:

ClinVar aggregate classification (germline): Uncertain significance (1 of 4 stars; one submission).

Submission:

Labcorp Genetics (formerly Invitae), Labcorp
Classification: Uncertain significance. Last evaluated: 2022-06-13. Review status: criteria provided, single submitter. Criteria: Invitae Variant Classification Sherloc (09022015). Collection method: clinical testing. Allele origin: germline.
Comment: In summary, the available evidence is currently insufficient to determine the role of this variant in disease. Therefore, it has been classified as a Variant of Uncertain Significance. Algorithms developed to predict the effect of missense changes on protein structure and function are either unavailable or do not agree on the potential impact of this missense change (SIFT: "Tolerated"; PolyPhen-2: "Probably Damaging"; Align-GVGD: "Class C0"). ClinVar contains an entry for this variant (Variation ID: 1004577). This variant has not been reported in the literature in individuals affected with DLL3-related conditions. This variant is not present in population databases (gnomAD no frequency). This sequence change replaces arginine, which is basic and polar, with histidine, which is basic and polar, at codon 189 of the DLL3 protein (p.Arg189His).

NM_203486.3(DLL3):c.566G>A (p.Arg189His)

Genes: DLL3 (delta like canonical Notch ligand 3; plus strand), LOC130064417 (ATAC-STARR-seq lymphoblastoid silent region 10608; plus strand). Cytogenetic location: 19q13.2.
Variant type: single nucleotide variant.
Coding change: c.566G>A on transcript NM_203486.3 (MANE Select); coding-DNA position 566, G replaced by A.
Protein change: p.Arg189His; replaces arginine 189 with histidine.
Molecular consequence: missense variant.
Genome position (GRCh38, 1-based): chr19:39,502,971, G>A. VCF-style: chr19-39502971-G-A. GRCh37 (hg19) VCF-style: chr19-39993611-G-A.
Other names: c.566G>A, p.Arg189His (NM_016941.4); short protein forms R189H.
Identifiers: ClinVar variation 1004577 (VCV001004577.9), dbSNP rs2079619060, ClinGen allele CA405795926.